The following is an entry in ClinVar:

ClinVar aggregate classification (germline): Benign/Likely benign. Review status: criteria provided, multiple submitters, no conflicts (2 of 4 stars). 3 submissions from 3 submitters: Benign (1); Likely benign (2). Last evaluated 2025-06-02.

Conditions:
Situs inversus. Also called: Situs inversus totalis. Identifiers: Orphanet 101063, MedGen C4551493, MONDO:0010029, HP:0001696.

Allele frequency attached by ClinVar (database versions not stated): 1000 Genomes Project 0.00040; 1000 Genomes Project 30x 0.00047; TOPMed 0.00152; gnomAD 0.00173 and 0.00179; gnomAD exomes 0.00206 and 0.00250; ExAC 0.00241; ESP Exome Variant Server 0.00277.
gnomAD v4.1: 3,898 of 1,613,668 alleles (0.24%); highest among the groups gnomAD compares: Non-Finnish European, 0.3%; 7 homozygotes.

Submissions (3):

Labcorp Genetics (formerly Invitae), Labcorp
Classification: Benign for Situs inversus. Last evaluated: 2025-06-02. Review status: criteria provided, single submitter. Criteria: Invitae Variant Classification Sherloc (09022015). Collection method: clinical testing. Allele origin: germline.

Blueprint Genetics
Classification: Likely benign. Last evaluated: 2024-11-27. Review status: criteria provided, single submitter. Criteria: ACMG Guidelines, 2015. Collection method: clinical testing. Allele origin: germline.

CeGaT Center for Human Genetics Tuebingen
Classification: Likely benign. Last evaluated: 2023-04-01. Review status: criteria provided, single submitter. Criteria: CeGaT Center For Human Genetics Tuebingen Variant Classification Criteria Version 2. Collection method: clinical testing. Allele origin: germline. Affected: yes. Observed: 2 variant alleles.
Comment: CFAP52: BP4, BP7, BS2

NM_145054.5(CFAP52):c.213C>T (p.Ala71=)

Gene: CFAP52 (cilia and flagella associated protein 52; plus strand). Cytogenetic location: 17p13.1.
Variant type: single nucleotide variant.
Coding change: c.213C>T on transcript NM_145054.5 (MANE Select); coding-DNA position 213, C replaced by T.
Protein change: p.Ala71=; no amino-acid change (alanine 71 retained).
Molecular consequence: synonymous variant. On other transcripts: intron variant (1).
Genome position (GRCh38, 1-based): chr17:9,585,915, C>T. VCF-style: chr17-9585915-C-T. GRCh37 (hg19) VCF-style: chr17-9489232-C-T.
Other names: c.71-787C>T (NM_001080556.2).
Identifiers: ClinVar variation 772897 (VCV000772897.34), dbSNP rs143579503, ClinGen allele CA8381785.